The following is an entry in ClinVar:

NM_001430.5(EPAS1):c.2554G>C (p.Gly852Arg)

Gene: EPAS1 (endothelial PAS domain protein 1; plus strand). Cytogenetic location: 2p21.
Variant type: single nucleotide variant.
Coding change: c.2554G>C on transcript NM_001430.5 (MANE Select); coding-DNA position 2554, G replaced by C.
Protein change: p.Gly852Arg; replaces glycine 852 with arginine.
Molecular consequence: missense variant.
Genome position (GRCh38, 1-based): chr2:46,384,601, G>C. VCF-style: chr2-46384601-G-C. GRCh37 (hg19) VCF-style: chr2-46611740-G-C.
Other names: short protein forms G852R.
Identifiers: ClinVar variation 3221639 (VCV003221639.1), dbSNP rs1313675406, ClinGen allele CA346707114.

ClinVar aggregate classification (germline): Uncertain significance (1 of 4 stars; one submission).

Conditions:
Inborn genetic diseases. Identifiers: MedGen C0950123, MeSH D030342.

Allele frequency attached by ClinVar (database versions not stated): gnomAD exomes below 0.00001.
gnomAD v4.1: 6 of 1,614,090 alleles (0.00037%); highest among the groups gnomAD compares: Non-Finnish European, 0.00051%; no homozygotes.

Submission:

Ambry Genetics
Classification: Uncertain significance for Inborn genetic diseases. Last evaluated: 2023-12-05. Review status: criteria provided, single submitter. Criteria: Ambry Variant Classification Scheme 2023. Collection method: clinical testing. Allele origin: germline.
Comment: The p.G852R variant (also known as c.2554G>C), located in coding exon 16 of the EPAS1 gene, results from a G to C substitution at nucleotide position 2554. The glycine at codon 852 is replaced by arginine, an amino acid with dissimilar properties. This amino acid position is conserved. In addition, this alteration is predicted to be deleterious by in silico analysis. Since supporting evidence is limited at this time, the clinical significance of this alteration remains unclear.